The following is an entry in ClinVar:

ClinVar aggregate classification (germline): Uncertain significance. Review status: criteria provided, multiple submitters, no conflicts (2 of 4 stars). 2 submissions from 2 submitters: Uncertain significance (2). Last evaluated 2022-08-09.

gnomAD v4.1: 16 of 1,612,074 alleles (0.00099%); highest among the groups gnomAD compares: African/African-American, 0.0013%; no homozygotes.

Submissions (2):

Labcorp Genetics (formerly Invitae), Labcorp
Classification: Uncertain significance. Last evaluated: 2022-08-09. Review status: criteria provided, single submitter. Criteria: Invitae Variant Classification Sherloc (09022015). Collection method: clinical testing. Allele origin: germline.
Comment: In summary, the available evidence is currently insufficient to determine the role of this variant in disease. Therefore, it has been classified as a Variant of Uncertain Significance. Algorithms developed to predict the effect of missense changes on protein structure and function output the following: SIFT: "Tolerated"; PolyPhen-2: "Benign"; Align-GVGD: "Class C0". The serine amino acid residue is found in multiple mammalian species, which suggests that this missense change does not adversely affect protein function. ClinVar contains an entry for this variant (Variation ID: 425143). This variant has not been reported in the literature in individuals affected with POLG2-related conditions. This variant is not present in population databases (gnomAD no frequency). This sequence change replaces cysteine, which is neutral and slightly polar, with serine, which is neutral and polar, at codon 16 of the POLG2 protein (p.Cys16Ser).

CeGaT Center for Human Genetics Tuebingen
Classification: Uncertain significance. Last evaluated: 2016-12-01. Review status: criteria provided, single submitter. Criteria: CeGaT Center For Human Genetics Tuebingen Variant Classification Criteria Version 2. Collection method: clinical testing. Allele origin: germline. Affected: yes. Observed: 1 variant allele.

NM_007215.4(POLG2):c.47G>C (p.Cys16Ser)

Genes: POLG2 (DNA polymerase gamma 2, accessory subunit; minus strand), MILR1 (mast cell immunoglobulin like receptor 1; plus strand). Cytogenetic location: 17q23.3.
Variant type: single nucleotide variant.
Coding change: c.47G>C on transcript NM_007215.4 (MANE Select); coding-DNA position 47, G replaced by C.
Protein change: p.Cys16Ser; replaces cysteine 16 with serine.
Molecular consequence: missense variant.
Genome position (GRCh38, 1-based): chr17:64,496,922, C>G on the plus strand (G>C on the coding strand, the complement: POLG2 is on the minus strand). VCF-style: chr17-64496922-C-G. GRCh37 (hg19) VCF-style: chr17-62493040-C-G.
Other names: short protein forms C16S.
Identifiers: ClinVar variation 425143 (VCV000425143.47), dbSNP rs1064797227, ClinGen allele CA16621713.
Genomic context (GRCh38, chr17:64,496,922, plus strand): 5'-CTTTCCGTCAACAGCTCCGGCTGCCCCGCATCTACTCGACCCCCAAACCCAGACAACAGG[C>G]ACCTGCAGACCTTATGGCAGGCCCTGACGGCTACACGAGAGCGCATCTCTCTCCGAAGTT-3'
Protein context (NP_009146.2, residues 6-26): AVRACHKVCR[Cys16Ser]LLSGFGGRVD